The following is an entry in ClinVar:

NM_022834.5(VWA1):c.1005A>G (p.Pro335=)

Gene: VWA1 (von Willebrand factor A domain containing 1; plus strand). Cytogenetic location: 1p36.33.
Variant type: single nucleotide variant.
Coding change: c.1005A>G on transcript NM_022834.5 (MANE Select); coding-DNA position 1005, A replaced by G.
Protein change: p.Pro335=; no amino-acid change (proline 335 retained).
Molecular consequence: synonymous variant. On other transcripts: 3 prime UTR variant (1).
Genome position (GRCh38, 1-based): chr1:1,439,454, A>G. VCF-style: chr1-1439454-A-G. GRCh37 (hg19) VCF-style: chr1-1374834-A-G.
Other names: p.Pro335=; c.*415A>G (NM_199121.3).
Identifiers: ClinVar variation 1280635 (VCV001280635.6), dbSNP rs1892289, ClinGen allele CA523305.

ClinVar aggregate classification (germline): Conflicting classifications of pathogenicity. Review status: criteria provided, conflicting classifications (1 of 4 stars). 6 submissions from 6 submitters: VUS-mid (1); Benign (4); Likely benign (1). Last evaluated 2024-11-26.

Conditions:
Neuronopathy, distal hereditary motor, autosomal recessive 7. Also called: NEUROPATHY, DISTAL HEREDITARY MOTOR, AUTOSOMAL RECESSIVE 7; NEUROPATHY, HEREDITARY MOTOR, WITH MYOPATHIC FEATURES. Identifiers: MedGen C5543119, MONDO:0030977, OMIM 619216.
Zygodactyly type 1. Identifiers: Orphanet 295187, Orphanet 93402, MedGen C1853294, MONDO:0012351, OMIM 609815.

Allele frequency attached by ClinVar (database versions not stated): gnomAD 0.42255 and 0.43453; TOPMed 0.45893; ExAC 0.52990; 1000 Genomes Project 0.66973; 1000 Genomes Project 30x 0.67583.
gnomAD v4.1: 400,010 of 1,417,934 alleles (28%); highest among the groups gnomAD compares: East Asian, 100%; 81,261 homozygotes.

Submissions (6):

Blueprint Genetics
Classification: Likely benign. Last evaluated: 2024-11-26. Review status: criteria provided, single submitter. Criteria: ACMG Guidelines, 2015. Collection method: clinical testing. Allele origin: germline.

Genome-Nilou Lab
Classification: Benign for Neuronopathy, distal hereditary motor, autosomal recessive 7. Last evaluated: 2023-04-11. Review status: criteria provided, single submitter. Criteria: ACMG Guidelines, 2015. Collection method: clinical testing. Allele origin: germline. Affected: no.

Mayo Clinic Laboratories, Mayo Clinic
Classification: Benign. Last evaluated: 2022-03-24. Review status: criteria provided, single submitter. Criteria: ACMG Guidelines, 2015. Collection method: clinical testing. Allele origin: germline. Observed: 348 variant alleles.

GeneDx
Classification: Benign. Last evaluated: 2018-10-24. Review status: criteria provided, single submitter. Criteria: GeneDx Variant Classification Process June 2021. Collection method: clinical testing. Allele origin: germline. Affected: yes.

Breakthrough Genomics
Classification: Benign. Review status: criteria provided, single submitter. Criteria: ACMG Guidelines, 2015. Collection method: not provided. Allele origin: germline. Inheritance: Autosomal recessive inheritance. Affected: yes.

Dr. Orhan Ocalgiray Molecular Biology-Biotechnology and Genetics Research Centre (MOBGAM), Istanbul Technical University
Classification: VUS-mid for Zygodactyly type 1. Review status: criteria provided, single submitter. Criteria: ACMG Guidelines, 2015. Collection method: research. Allele origin: germline. Inheritance: Autosomal dominant inheritance. Affected: yes. Observed: 1 variant allele, 1 heterozygote.
Comment: rs1892289 is a very frequent (0.289 in Turks, 321/1110 alleles) variant, and is found in multiple Turkish ZD1 individuals. It was not enriched in ZD1 group compared to the population, so that it is assessed as VUS.